The following is an entry in ClinVar:

NM_004608.4(TBX6):c.448C>A (p.Arg150Ser)

Gene: TBX6 (T-box transcription factor 6; minus strand). Cytogenetic location: 16p11.2.
Variant type: single nucleotide variant.
Coding change: c.448C>A on transcript NM_004608.4 (MANE Select); coding-DNA position 448, C replaced by A.
Protein change: p.Arg150Ser; replaces arginine 150 with serine.
Molecular consequence: missense variant.
Genome position (GRCh38, 1-based): chr16:30,089,116, G>T on the plus strand (C>A on the coding strand, the complement: TBX6 is on the minus strand). VCF-style: chr16-30089116-G-T. GRCh37 (hg19) VCF-style: chr16-30100437-G-T.
Other names: short protein forms R150S.
Identifiers: ClinVar variation 1705339 (VCV001705339.1), dbSNP rs949681104, ClinGen allele CA395520172.

ClinVar aggregate classification (germline): Uncertain significance (1 of 4 stars; one submission).

Conditions:
Spondylocostal dysostosis 5 (SCDO5). Also called: SCOLIOSIS, CONGENITAL, WITH OR WITHOUT RIB ANOMALIES. Identifiers: MedGen C4083048, MONDO:0007389, OMIM 122600.

Submission:

3billion
Classification: Uncertain significance for Spondylocostal dysostosis 5. Last evaluated: 2022-09-01. Review status: criteria provided, single submitter. Criteria: ACMG Guidelines, 2015. Collection method: clinical testing. Allele origin: germline. Affected: yes. Observed: 1 heterozygote.
Comment: The variant is not observed in the gnomAD v2.1.1 dataset. In silico tool predictions suggest damaging effect of this missense variant on gene or gene product (REVEL: 0.86; 3Cnet: 0.96). A different missense change at the same codon (p.Arg150His) has been reported to be associated with TBX6-related disorder (PMID: 31015262). However, since the evidence of pathogenicity is insufficient at this time, this variant is classified as uncertain significance according to the recommendation of ACMG/AMP guideline.

Literature cited by the submitters: PubMed 31015262.